The following is an entry in ClinVar:

ClinVar aggregate classification (germline): Uncertain significance. Review status: criteria provided, multiple submitters, no conflicts (2 of 4 stars). 5 submissions from 5 submitters: Uncertain significance (5). Last evaluated 2025-11-17.

Conditions:
Cardiovascular phenotype. Identifiers: MedGen CN230736.
Distal myopathy with posterior leg and anterior hand involvement. Also called: WILLIAMS DISTAL MYOPATHY. Identifiers: Orphanet 63273, MedGen C3279722, MONDO:0013550, OMIM 614065.
Myofibrillar myopathy 5. Also called: FILAMINOPATHY, AUTOSOMAL DOMINANT; Filaminopathy (type). Identifiers: Orphanet 171445, MedGen C1836050, MONDO:0012289, OMIM 609524.
Hypertrophic cardiomyopathy 26. Also called: Cardiomyopathy, familial hypertrophic, 26. Identifiers: Orphanet 75249, MedGen C4310749, MONDO:0014883, OMIM 617047.
Dilated Cardiomyopathy, Dominant.

Allele frequency attached by ClinVar (database versions not stated): gnomAD 0.00001; gnomAD exomes 0.00001; TOPMed 0.00002; ESP Exome Variant Server 0.00008.
gnomAD v4.1: 16 of 1,613,476 alleles (0.00099%); highest among the groups gnomAD compares: Non-Finnish European, 0.0014%; no homozygotes.

Submissions (5):

Women's Health and Genetics/Laboratory Corporation of America, LabCorp
Classification: Uncertain significance. Last evaluated: 2025-11-17. Review status: criteria provided, single submitter. Criteria: LabCorp Variant Classification Summary - May 2015. Collection method: clinical testing. Allele origin: germline.

Ambry Genetics
Classification: Uncertain significance for Cardiovascular phenotype. Last evaluated: 2025-04-08. Review status: criteria provided, single submitter. Criteria: Ambry Variant Classification Scheme 2023. Collection method: clinical testing. Allele origin: germline.
Comment: The p.N1817Y variant (also known as c.5449A>T), located in coding exon 33 of the FLNC gene, results from an A to T substitution at nucleotide position 5449. The asparagine at codon 1817 is replaced by tyrosine, an amino acid with dissimilar properties. This amino acid position is highly conserved in available vertebrate species. In addition, this alteration is predicted to be deleterious by in silico analysis. Based on the available evidence, the clinical significance of this variant remains unclear.

Labcorp Genetics (formerly Invitae), Labcorp
Classification: Uncertain significance for Distal myopathy with posterior leg and anterior hand involvement; Myofibrillar myopathy 5; Hypertrophic cardiomyopathy 26. Last evaluated: 2024-09-16. Review status: criteria provided, single submitter. Criteria: Invitae Variant Classification Sherloc (09022015). Collection method: clinical testing. Allele origin: germline.
Comment: This sequence change replaces asparagine, which is neutral and polar, with tyrosine, which is neutral and polar, at codon 1817 of the FLNC protein (p.Asn1817Tyr). This variant is present in population databases (rs373146637, gnomAD 0.002%). This variant has not been reported in the literature in individuals affected with FLNC-related conditions. ClinVar contains an entry for this variant (Variation ID: 576267). Invitae Evidence Modeling of protein sequence and biophysical properties (such as structural, functional, and spatial information, amino acid conservation, physicochemical variation, residue mobility, and thermodynamic stability) has been performed for this missense variant. However, the output from this modeling did not meet the statistical confidence thresholds required to predict the impact of this variant on FLNC protein function. In summary, the available evidence is currently insufficient to determine the role of this variant in disease. Therefore, it has been classified as a Variant of Uncertain Significance.

ARUP Laboratories, Molecular Genetics and Genomics, ARUP Laboratories
Classification: Uncertain significance. Last evaluated: 2024-04-10. Review status: criteria provided, single submitter. Criteria: ARUP Molecular Germline Variant Investigation Process 2024. Collection method: clinical testing. Allele origin: germline.
Comment: The FLNC c.5449A>T; p.Asn1817Tyr variant (rs373146637), to our knowledge, is not reported in the medical literature but is reported in ClinVar (Variation ID: 576267). This variant is found in the general population with an overall allele frequency of 0.001% (2/249,510 alleles) in the Genome Aggregation Database (v2.1.1). Computational analyses predict that this variant is deleterious (REVEL: 0.885). Due to limited information, the clinical significance of this variant is uncertain at this time.

GeneDx
Classification: Uncertain significance. Last evaluated: 2021-07-28. Review status: criteria provided, single submitter. Criteria: GeneDx Variant Classification Process June 2021. Collection method: clinical testing. Allele origin: germline. Affected: yes.
Comment: Has not been previously published as pathogenic or benign to our knowledge; Not observed at significant frequency in large population cohorts (Lek et al., 2016); In silico analysis supports that this missense variant has a deleterious effect on protein structure/function; Reported in ClinVar as a variant of uncertain significance (ClinVar Variant ID#576267; Landrum et al., 2016); This variant is associated with the following publications: (PMID: 26582918)

NM_001458.5(FLNC):c.5449A>T (p.Asn1817Tyr)

Genes: FLNC (filamin C; plus strand), FLNC-AS1 (FLNC antisense RNA 1; minus strand). Cytogenetic location: 7q32.1.
Variant type: single nucleotide variant.
Coding change: c.5449A>T on transcript NM_001458.5 (MANE Select); coding-DNA position 5449, A replaced by T.
Protein change: p.Asn1817Tyr; replaces asparagine 1817 with tyrosine.
Molecular consequence: missense variant.
Genome position (GRCh38, 1-based): chr7:128,850,853, A>T. VCF-style: chr7-128850853-A-T. GRCh37 (hg19) VCF-style: chr7-128490907-A-T.
Other names: c.5350A>T, p.Asn1784Tyr (NM_001127487.2); short protein forms N1817Y, N1784Y.
Identifiers: ClinVar variation 576267 (VCV000576267.16), dbSNP rs373146637, ClinGen allele CA166188115.